The following is an entry in ClinVar:

ClinVar aggregate classification (germline): Uncertain significance (1 of 4 stars; one submission).

Submission:

Labcorp Genetics (formerly Invitae), Labcorp
Classification: Uncertain significance. Last evaluated: 2022-01-18. Review status: criteria provided, single submitter. Criteria: Invitae Variant Classification Sherloc (09022015). Collection method: clinical testing. Allele origin: germline.
Comment: In summary, the available evidence is currently insufficient to determine the role of this variant in disease. Therefore, it has been classified as a Variant of Uncertain Significance. Algorithms developed to predict the effect of missense changes on protein structure and function are either unavailable or do not agree on the potential impact of this missense change (SIFT: "Deleterious"; PolyPhen-2: "Probably Damaging"; Align-GVGD: "Class C0"). This variant has not been reported in the literature in individuals affected with SRP72-related conditions. This variant is not present in population databases (gnomAD no frequency). This sequence change replaces leucine, which is neutral and non-polar, with proline, which is neutral and non-polar, at codon 111 of the SRP72 protein (p.Leu111Pro).

NM_006947.4(SRP72):c.332T>C (p.Leu111Pro)

Gene: SRP72 (signal recognition particle 72; plus strand). Cytogenetic location: 4q12.
Variant type: single nucleotide variant.
Coding change: c.332T>C on transcript NM_006947.4 (MANE Select); coding-DNA position 332, T replaced by C.
Protein change: p.Leu111Pro; replaces leucine 111 with proline.
Molecular consequence: missense variant. On other transcripts: non-coding transcript variant (1).
Genome position (GRCh38, 1-based): chr4:56,471,821, T>C. VCF-style: chr4-56471821-T-C. GRCh37 (hg19) VCF-style: chr4-57337987-T-C.
Other names: c.332T>C, p.Leu111Pro (NM_001267722.2); short protein forms L111P.
Identifiers: ClinVar variation 2087591 (VCV002087591.4), dbSNP rs2545746956, ClinGen allele CA356996240.